The following is an entry in ClinVar:

NM_007078.3(LDB3):c.2000C>T (p.Thr667Ile)

Gene: LDB3 (LIM domain binding 3; plus strand). Cytogenetic location: 10q23.2.
Variant type: single nucleotide variant.
Coding change: c.2000C>T on transcript NM_007078.3 (MANE Select); coding-DNA position 2000, C replaced by T.
Protein change: p.Thr667Ile; replaces threonine 667 with isoleucine.
Molecular consequence: missense variant.
Genome position (GRCh38, 1-based): chr10:86,726,158, C>T. VCF-style: chr10-86726158-C-T. GRCh37 (hg19) VCF-style: chr10-88485915-C-T.
Other names: c.1670C>T, p.Thr557Ile (NM_001080114.2); c.2015C>T, p.Thr672Ile (NM_001171610.2); c.1811C>T, p.Thr604Ile (NM_001368064.1, NM_001368065.1); c.1859C>T, p.Thr620Ile (NM_001368066.1); short protein forms T557I, T604I, T620I, T667I, T672I.
Identifiers: ClinVar variation 3225984 (VCV003225984.1), dbSNP rs769713151, ClinGen allele CA5585297.
Genomic context (GRCh38, chr10:86,726,158, plus strand): 5'-CCACTGGGTGCGGGGTCTTCACTCTGCTTTTCATTTCAGACTACATCAATCTGTTCAGCA[C>T]CAAGTGCCATGGCTGCGATTTCCCCGTGGAGGCTGGCGACAAGTTTATCGAAGCCCTGGG-3'
Protein context (NP_009009.1, residues 657-677): CEKDYINLFS[Thr667Ile]KCHGCDFPVE

ClinVar aggregate classification (germline): Uncertain significance (1 of 4 stars; one submission).

Conditions:
Cardiovascular phenotype. Identifiers: MedGen CN230736.

Allele frequency attached by ClinVar (database versions not stated): gnomAD exomes 0.00001; TOPMed 0.00001; ExAC 0.00002.
gnomAD v4.1: 7 of 1,613,922 alleles (0.00043%); highest among the groups gnomAD compares: Non-Finnish European, 0.00059%; no homozygotes.

Submission:

Ambry Genetics
Classification: Uncertain significance for Cardiovascular phenotype. Last evaluated: 2023-12-03. Review status: criteria provided, single submitter. Criteria: Ambry Variant Classification Scheme 2023. Collection method: clinical testing. Allele origin: germline.
Comment: The p.T667I variant (also known as c.2000C>T), located in coding exon 12 of the LDB3 gene, results from a C to T substitution at nucleotide position 2000. The threonine at codon 667 is replaced by isoleucine, an amino acid with similar properties. This amino acid position is conserved. In addition, this alteration is predicted to be deleterious by in silico analysis. Since supporting evidence is limited at this time, the clinical significance of this alteration remains unclear.